The following is an entry in ClinVar:

ClinVar aggregate classification (germline): Likely pathogenic (1 of 4 stars; one submission).

Submission:

GeneDx
Classification: Likely pathogenic. Last evaluated: 2019-01-09. Review status: criteria provided, single submitter. Criteria: GeneDx Variant Classification (06012015). Collection method: clinical testing. Allele origin: germline. Affected: yes.
Comment: A variant that is likely pathogenic has been identified in the SCN1A gene. The E1153X variant has not been published as a pathogenic variant, nor has it been reported as a benign variant to our knowledge. The E1153X nonsense variant in the SCN1A gene is predicted to cause loss of normal protein function either through protein truncation or nonsense-mediated mRNA decay. The E1153X variant is not observed in large population cohorts (Lek et al., 2016). Therefore, this variant is likely pathogenic; however, the possibility that it is benign cannot be excluded.

NM_001165963.4(SCN1A):c.3457G>T (p.Glu1153Ter)

Genes: SCN1A (sodium voltage-gated channel alpha subunit 1; minus strand), LOC102724058 (uncharacterized LOC102724058; plus strand). Cytogenetic location: 2q24.3.
Variant type: single nucleotide variant.
Coding change: c.3457G>T on transcript NM_001165963.4 (MANE Select); coding-DNA position 3457, G replaced by T.
Protein change: p.Glu1153Ter; replaces glutamic acid 1153 with a stop codon.
Molecular consequence: nonsense. On other transcripts: non-coding transcript variant (2).
Genome position (GRCh38, 1-based): chr2:166,015,700, C>A on the plus strand (G>T on the coding strand, the complement: SCN1A is on the minus strand). VCF-style: chr2-166015700-C-A. GRCh37 (hg19) VCF-style: chr2-166872210-C-A.
Other names: c.3373G>T, p.Glu1125Ter (NM_001165964.3, NM_001353958.2, NM_001353957.2); c.3457G>T, p.Glu1153Ter (NM_001202435.3, NM_001353948.2); c.3424G>T, p.Glu1142Ter (NM_001353949.2, NM_001353950.2, NM_001353951.2 and 2 more transcripts); c.3370G>T, p.Glu1124Ter (NM_001353960.2); c.1015G>T, p.Glu339Ter (NM_001353961.2); c.3421G>T, p.Glu1141Ter (NM_001353954.2, NM_001353955.2); short protein forms E1142*, E1153*, E1124*, E1141*, E1125*, E339*.
Identifiers: ClinVar variation 620121 (VCV000620121.1), dbSNP rs1553534233, ClinGen allele CA349056783.
Genomic context (GRCh38, chr2:166,015,700, plus strand): 5'-CTTCAGGTTCCACTACGGGCTGTTCTTCTACAGGTGCGCCGATGTCCACAGTGCTACCTT[C>A]TGATGAGCTACTGCTTTCATTCAGTTTCTGTAAGTGAGATGGACATAGAAAGTAAAGTCC-3'